The following is an entry in ClinVar:

ClinVar aggregate classification (germline): Pathogenic/Likely pathogenic. Review status: criteria provided, multiple submitters, no conflicts (2 of 4 stars). 4 submissions from 4 submitters: Pathogenic (1); Likely pathogenic (3). Last evaluated 2025-08-21.

Conditions:
SLC26A3-related disorder. Also called: SLC26A3-related condition.
Congenital secretory diarrhea, chloride type (DIAR1). Also called: DIARRHEA 1, SECRETORY CHLORIDE, CONGENITAL; CHLORIDORRHEA, CONGENITAL; CHLORIDE DIARRHEA, CONGENITAL, FINNISH TYPE. Identifiers: Orphanet 53689, MedGen C0267662, MONDO:0008964, OMIM 214700.

gnomAD v4.1: 6 of 1,614,052 alleles (0.00037%); highest among the groups gnomAD compares: Admixed American, 0.0017%; no homozygotes.

Submissions (4):

Labcorp Genetics (formerly Invitae), Labcorp
Classification: Likely pathogenic. Last evaluated: 2025-08-21. Review status: criteria provided, single submitter. Criteria: Invitae Variant Classification Sherloc (09022015). Collection method: clinical testing. Allele origin: germline.
Comment: This sequence change replaces alanine, which is neutral and non-polar, with threonine, which is neutral and polar, at codon 347 of the SLC26A3 protein (p.Ala347Thr). This variant is present in population databases (rs773932967, gnomAD 0.006%). This missense change has been observed in individual(s) with clinical features of congenital chloride diarrhea (PMID: 31499577, 36709934). In at least one individual the data is consistent with being in trans (on the opposite chromosome) from a pathogenic variant. It has also been observed to segregate with disease in related individuals. ClinVar contains an entry for this variant (Variation ID: 3594229). Invitae Evidence Modeling of protein sequence and biophysical properties (such as structural, functional, and spatial information, amino acid conservation, physicochemical variation, residue mobility, and thermodynamic stability) has been performed for this missense variant. However, the output from this modeling did not meet the statistical confidence thresholds required to predict the impact of this variant on SLC26A3 protein function. In summary, the currently available evidence indicates that the variant is pathogenic, but additional data are needed to prove that conclusively. Therefore, this variant has been classified as Likely Pathogenic.

Fulgent Genetics
Classification: Likely pathogenic for Congenital secretory diarrhea, chloride type. Last evaluated: 2024-04-11. Review status: criteria provided, single submitter. Criteria: ACMG Guidelines, 2015. Collection method: clinical testing. Allele origin: germline.

Blueprint Genetics
Classification: Pathogenic for SLC26A3-related disorders. Last evaluated: 2019-12-21. Review status: criteria provided, single submitter. Criteria: ACMG Guidelines, 2015. Collection method: clinical testing. Allele origin: germline. Affected: yes. Observed: 2 variant alleles.

Juno Genomics, Hangzhou Juno Genomics, Inc
Classification: Likely pathogenic for Congenital secretory diarrhea, chloride type. Review status: criteria provided, single submitter. Criteria: ACMG Guidelines, 2015. Collection method: clinical testing. Allele origin: germline.
Comment: Absent from controls (or at extremely low frequency if recessive) in Genome Aggregation Database.;Multiple lines of computational evidence support a deleterious effect on the gene or gene product.;For recessive disorders, detected in trans with a pathogenic variant.;Patient's phenotype or family history is highly specific for a disease with a single genetic etiology.;Co-segregation with disease in multiple affected family members.

Literature cited by the submitters: PubMed 31499577 (cited by Labcorp Genetics (formerly Invitae), Labcorp); PubMed 36709934 (cited by Labcorp Genetics (formerly Invitae), Labcorp).

NM_000111.3(SLC26A3):c.1039G>A (p.Ala347Thr)

Gene: SLC26A3 (solute carrier family 26 member 3; minus strand). Cytogenetic location: 7q22.3.
Variant type: single nucleotide variant.
Coding change: c.1039G>A on transcript NM_000111.3 (MANE Select); coding-DNA position 1039, G replaced by A.
Protein change: p.Ala347Thr; replaces alanine 347 with threonine.
Molecular consequence: missense variant.
Genome position (GRCh38, 1-based): chr7:107,783,285, C>T on the plus strand (G>A on the coding strand, the complement: SLC26A3 is on the minus strand). VCF-style: chr7-107783285-C-T. GRCh37 (hg19) VCF-style: chr7-107423730-C-T.
Other names: short protein forms A347T.
Identifiers: ClinVar variation 3594229 (VCV003594229.5).